The following is an entry in ClinVar:

NM_001903.5(CTNNA1):c.302-1G>A

Gene: CTNNA1 (catenin alpha 1; plus strand). Cytogenetic location: 5q31.2.
Variant type: single nucleotide variant.
Coding change: c.302-1G>A on transcript NM_001903.5 (MANE Select); the canonical splice acceptor site of the intron before coding-DNA position 302, G replaced by A.
Molecular consequence: splice acceptor variant. On other transcripts: intron variant (1).
Genome position (GRCh38, 1-based): chr5:138,810,037, G>A. VCF-style: chr5-138810037-G-A. GRCh37 (hg19) VCF-style: chr5-138145726-G-A.
Other names: c.302-1G>A (NM_001323982.2, NM_001323984.2, NM_001290307.3 and 3 more transcripts); c.-5-64G>A (NM_001290310.3); c.-8-1G>A (NM_001290309.3).
Identifiers: ClinVar variation 3773506 (VCV003773506.1).

ClinVar aggregate classification (germline): Likely pathogenic (1 of 4 stars; one submission).

Conditions:
Hereditary diffuse gastric adenocarcinoma (HDGC). Also called: DIFFUSE GASTRIC AND LOBULAR BREAST CANCER SYNDROME. Identifiers: Orphanet 26106, MedGen C1708349, MONDO:0007648, OMIM 137215.

gnomAD v4.1: 1 of 1,599,056 alleles (0.000063%); highest among the groups gnomAD compares: Non-Finnish European, 0.000086%; no homozygotes.

Submission:

Myriad Genetics, Inc.
Classification: Likely pathogenic for Hereditary diffuse gastric adenocarcinoma. Last evaluated: 2024-10-16. Review status: criteria provided, single submitter. Criteria: Myriad Autosomal Dominant, Autosomal Recessive and X-Linked Classification Criteria (2023). Collection method: clinical testing. Allele origin: unknown.
Comment: This variant is considered likely pathogenic. This variant occurs within a consensus splice junction and is predicted to result in abnormal mRNA splicing of either an out-of-frame exon or an in-frame exon necessary for protein stability and/or normal function.